The following is an entry in ClinVar:

NM_016148.5(SHANK1):c.330C>T (p.Ser110=)

Gene: SHANK1 (SH3 and multiple ankyrin repeat domains 1; minus strand). Cytogenetic location: 19q13.33.
Variant type: single nucleotide variant.
Coding change: c.330C>T on transcript NM_016148.5 (MANE Select); coding-DNA position 330, C replaced by T.
Protein change: p.Ser110=; no amino-acid change (serine 110 retained).
Molecular consequence: synonymous variant.
Genome position (GRCh38, 1-based): chr19:50,716,404, G>A on the plus strand (C>T on the coding strand, the complement: SHANK1 is on the minus strand). VCF-style: chr19-50716404-G-A. GRCh37 (hg19) VCF-style: chr19-51219661-G-A.
Identifiers: ClinVar variation 3053219 (VCV003053219.2), dbSNP rs1328158949, ClinGen allele CA508199159.
Genomic context (GRCh38, chr19:50,716,404, plus strand): 5'-GTTGGCATCGCGGCCGGAGGTGGCCGGTTGGAACAGGCCATAGTTGAGCACATCCTGCAG[G>A]CTCTCGCTCAGGGCACAGAGCACCTGCTGCTTGGCCGTCCAGATGGTGGCATCGGGGTTG-3'
Protein context (NP_057232.2, residues 100-120): KQQVLCALSE[Ser110=]LQDVLNYGLF

ClinVar aggregate classification (germline): Likely benign (0 of 4 stars; one submission).

Conditions:
SHANK1-related disorder. Also called: SHANK1-related condition.

Allele frequency attached by ClinVar (database versions not stated): TOPMed below 0.00001; gnomAD exomes 0.00001.

Submission:

PreventionGenetics, part of Exact Sciences
Classification: Likely benign for SHANK1-related condition. Last evaluated: 2019-08-29. Review status: no assertion criteria provided. Collection method: clinical testing. Allele origin: germline.
Comment: This variant is classified as likely benign based on ACMG/AMP sequence variant interpretation guidelines (Richards et al. 2015 PMID: 25741868, with internal and published modifications).